The following is an entry in ClinVar:

NM_017672.6(TRPM7):c.5361-4A>G

Gene: TRPM7 (transient receptor potential cation channel subfamily M member 7; minus strand). Cytogenetic location: 15q21.2.
Variant type: single nucleotide variant.
Coding change: c.5361-4A>G on transcript NM_017672.6 (MANE Select); 4 bases into the intron before coding-DNA position 5361, A replaced by G.
Molecular consequence: intron variant.
Genome position (GRCh38, 1-based): chr15:50,569,997, T>C on the plus strand (A>G on the coding strand, the complement: TRPM7 is on the minus strand). VCF-style: chr15-50569997-T-C. GRCh37 (hg19) VCF-style: chr15-50862194-T-C.
Other names: c.5358-4A>G (NM_001301212.2).
Identifiers: ClinVar variation 3769514 (VCV003769514.2).

ClinVar aggregate classification (germline): Uncertain significance (1 of 4 stars; one submission).

gnomAD v4.1: 22 of 1,600,878 alleles (0.0014%); highest among the groups gnomAD compares: Admixed American, 0.0053%; no homozygotes.

Submission:

Women's Health and Genetics/Laboratory Corporation of America, LabCorp
Classification: Uncertain significance. Last evaluated: 2025-01-20. Review status: criteria provided, single submitter. Criteria: LabCorp Variant Classification Summary - May 2015. Collection method: clinical testing. Allele origin: germline.
Comment: Variant summary: TRPM7 c.5361-4A>G alters a non-conserved nucleotide located close to a canonical splice site and therefore could affect mRNA splicing, leading to a significantly altered protein sequence. Consensus agreement among computation tools predict no significant impact on normal splicing. However, these predictions have yet to be confirmed by functional studies. The variant allele was found at a frequency of 1.4e-05 in 1593948 control chromosomes in the gnomAD database (v4.1 dataset). The occurrence in several carriers suggests that this variant is likely not associated with a high penetrance, severe, early onset disease phenotype in heterozygous state. To our knowledge, no occurrence of c.5361-4A>G in individuals affected with Amyotrophic Lateral Sclerosis-Parkinsonism Complex and no experimental evidence demonstrating its impact on protein function have been reported. No submitters have cited clinical-significance assessments for this variant to ClinVar. Based on the evidence outlined above, the variant was classified as uncertain significance.